The following is an entry in ClinVar:

ClinVar aggregate classification (germline): Likely benign (1 of 4 stars; one submission).

gnomAD v4.1: 9,410 of 1,607,750 alleles (0.59%); highest among the groups gnomAD compares: Non-Finnish European, 0.7%; 37 homozygotes.

Submission:

CeGaT Center for Human Genetics Tuebingen
Classification: Likely benign. Last evaluated: 2026-06-01. Review status: criteria provided, single submitter. Criteria: CeGaT Center For Human Genetics Tuebingen Variant Classification Criteria Version 2. Collection method: clinical testing. Allele origin: germline. Affected: yes. Observed: 1 variant allele.
Comment: ELF2: BS2

NM_001331036.3(ELF2):c.371C>T (p.Pro124Leu)

Gene: ELF2 (E74 like ETS transcription factor 2; minus strand). Cytogenetic location: 4q31.1.
Variant type: single nucleotide variant.
Coding change: c.371C>T on transcript NM_001331036.3 (MANE Select); coding-DNA position 371, C replaced by T.
Protein change: p.Pro124Leu; replaces proline 124 with leucine.
Molecular consequence: missense variant. On other transcripts: intron variant (6).
Genome position (GRCh38, 1-based): chr4:139,072,021, G>A on the plus strand (C>T on the coding strand, the complement: ELF2 is on the minus strand). VCF-style: chr4-139072021-G-A. GRCh37 (hg19) VCF-style: chr4-139993175-G-A.
Other names: c.191C>T, p.Pro64Leu (NM_001276457.2, NM_006874.5); c.371C>T, p.Pro124Leu (NM_001371336.1); c.59C>T, p.Pro20Leu (NM_001371338.1); c.353-18C>T (NM_201999.3, NM_001371324.1); c.41-18C>T (NM_001371339.1, NM_001371337.1); c.173-18C>T (NM_001276459.3, NM_001276458.3); short protein forms P124L, P20L, P64L.
Identifiers: ClinVar variation 4871920 (VCV004871920.2).